The following is an entry in ClinVar:

NM_002691.4(POLD1):c.1568T>C (p.Leu523Pro)

Gene: POLD1 (DNA polymerase delta 1, catalytic subunit; plus strand). Cytogenetic location: 19q13.33.
Variant type: single nucleotide variant.
Coding change: c.1568T>C on transcript NM_002691.4 (MANE Select); coding-DNA position 1568, T replaced by C.
Protein change: p.Leu523Pro; replaces leucine 523 with proline.
Molecular consequence: missense variant. On other transcripts: non-coding transcript variant (1).
Genome position (GRCh38, 1-based): chr19:50,407,056, T>C. VCF-style: chr19-50407056-T-C. GRCh37 (hg19) VCF-style: chr19-50910313-T-C.
Other names: c.1568T>C (NM_002691.2); c.1568T>C, p.Leu523Pro (NM_001256849.1, NM_001308632.1, NM_001438210.1 and 3 more transcripts); short protein forms L523P.
Identifiers: ClinVar variation 4703044 (VCV004703044.2).

ClinVar aggregate classification (germline): Uncertain significance. Review status: criteria provided, multiple submitters, no conflicts (2 of 4 stars). 2 submissions from 2 submitters: Uncertain significance (2). Last evaluated 2026-03-12.

Conditions:
POLD1-related polyposis and colorectal cancer syndrome (CRCS10). Also called: COLORECTAL CANCER, SUSCEPTIBILITY TO, ON CHROMOSOME 19q; Colorectal cancer 10; Colorectal cancer, susceptibility to, 10. Identifiers: Orphanet 220460, MedGen C2675481, MONDO:0012953, OMIM 612591.
Hereditary cancer-predisposing syndrome. Also called: Neoplastic Syndromes, Hereditary; Tumor predisposition; Hereditary neoplastic syndrome; Hereditary Cancer Syndrome. Identifiers: Orphanet 140162, MedGen C0027672, MeSH D009386, MONDO:0015356.

Submissions (2):

Ambry Genetics
Classification: Uncertain significance for Hereditary cancer-predisposing syndrome. Last evaluated: 2026-03-12. Review status: criteria provided, single submitter. Criteria: Ambry Variant Classification Scheme 2023. Collection method: clinical testing. Allele origin: germline.

Labcorp Genetics (formerly Invitae), Labcorp
Classification: Uncertain significance for POLD1-related polyposis and colorectal cancer syndrome. Last evaluated: 2025-04-11. Review status: criteria provided, single submitter. Criteria: Invitae Variant Classification Sherloc (09022015). Collection method: clinical testing. Allele origin: germline.
Comment: This sequence change replaces leucine, which is neutral and non-polar, with proline, which is neutral and non-polar, at codon 523 of the POLD1 protein (p.Leu523Pro). This variant is not present in population databases (gnomAD no frequency). This variant has not been reported in the literature in individuals affected with POLD1-related conditions. Invitae Evidence Modeling of protein sequence and biophysical properties (such as structural, functional, and spatial information, amino acid conservation, physicochemical variation, residue mobility, and thermodynamic stability) indicates that this missense variant is expected to disrupt POLD1 protein function with a positive predictive value of 80%. In summary, the available evidence is currently insufficient to determine the role of this variant in disease. Therefore, it has been classified as a Variant of Uncertain Significance.